The following is an entry in ClinVar:

ClinVar aggregate classification (germline): Uncertain significance. Review status: criteria provided, multiple submitters, no conflicts (2 of 4 stars). 5 submissions from 5 submitters: Uncertain significance (3). 2 of the submissions do not count toward it. Last evaluated 2024-02-08.

Conditions:
Schwartz-Jampel syndrome. Also called: Myotonic myopathy dwarfism chondrodystrophy and ocular and facial abnormalities. Identifiers: Orphanet 800, MedGen C0036391, MONDO:0009717.

gnomAD v4.1: 16 of 1,613,880 alleles (0.00099%); highest among the groups gnomAD compares: South Asian, 0.0077%; no homozygotes.

Submissions (5):

Blueprint Genetics
Classification: Uncertain significance. Last evaluated: 2024-02-08. Review status: criteria provided, single submitter. Criteria: ACMG Guidelines, 2015. Collection method: clinical testing. Allele origin: germline.

Labcorp Genetics (formerly Invitae), Labcorp
Classification: Uncertain significance. Last evaluated: 2021-08-31. Review status: criteria provided, single submitter. Criteria: Invitae Variant Classification Sherloc (09022015). Collection method: clinical testing. Allele origin: germline.
Comment: This sequence change replaces proline with serine at codon 2562 of the HSPG2 protein (p.Pro2562Ser). The proline residue is weakly conserved and there is a moderate physicochemical difference between proline and serine. This variant is present in population databases (rs755215244, ExAC 0.006%). This variant has not been reported in the literature in individuals affected with HSPG2-related conditions. ClinVar contains an entry for this variant (Variation ID: 623367). Algorithms developed to predict the effect of missense changes on protein structure and function are either unavailable or do not agree on the potential impact of this missense change (SIFT: "Deleterious"; PolyPhen-2: "Probably Damaging"; Align-GVGD: "Class C0"). In summary, the available evidence is currently insufficient to determine the role of this variant in disease. Therefore, it has been classified as a Variant of Uncertain Significance.

Department of Genetics, Sultan Qaboos University Hospital
Classification: Uncertain significance for Schwartz-Jampel syndrome type 1. Last evaluated: 2017-12-30. Review status: criteria provided, single submitter. Criteria: ACMG Guidelines, 2015. Collection method: curation. Allele origin: unknown. Affected: yes.

Joint Genome Diagnostic Labs from Nijmegen and Maastricht, Radboudumc and MUMC+
Classification: Uncertain significance. Review status: no assertion criteria provided. Collection method: clinical testing. Allele origin: germline. Affected: yes. Study: VKGL Data-share Consensus. Not counted in ClinVar's aggregate classification.

Laboratory of Diagnostic Genome Analysis, Leiden University Medical Center (LUMC)
Classification: Uncertain significance. Review status: no assertion criteria provided. Collection method: clinical testing. Allele origin: germline. Affected: yes. Study: VKGL Data-share Consensus. Not counted in ClinVar's aggregate classification.

NM_005529.7(HSPG2):c.7684C>T (p.Pro2562Ser)

Gene: HSPG2 (heparan sulfate proteoglycan 2; minus strand). Cytogenetic location: 1p36.12.
Variant type: single nucleotide variant.
Coding change: c.7684C>T on transcript NM_005529.7 (MANE Select); coding-DNA position 7684, C replaced by T.
Protein change: p.Pro2562Ser; replaces proline 2562 with serine.
Molecular consequence: missense variant.
Genome position (GRCh38, 1-based): chr1:21,848,696, G>A on the plus strand (C>T on the coding strand, the complement: HSPG2 is on the minus strand). VCF-style: chr1-21848696-G-A. GRCh37 (hg19) VCF-style: chr1-22175189-G-A.
Other names: c.7687C>T, p.Pro2563Ser (NM_001291860.2); short protein forms P2562S, P2563S.
Identifiers: ClinVar variation 623367 (VCV000623367.12), dbSNP rs755215244, ClinGen allele CA671094.